The following is an entry in ClinVar:

ClinVar aggregate classification (germline): Uncertain significance (1 of 4 stars; one submission).

Conditions:
Wilms tumor 1 (WT1). Also called: Wilms tumor, somatic. Identifiers: Orphanet 654, MedGen CN033288, MONDO:0008679, OMIM 194070.

Submission:

Labcorp Genetics (formerly Invitae), Labcorp
Classification: Uncertain significance for Wilms tumor 1. Last evaluated: 2023-08-24. Review status: criteria provided, single submitter. Criteria: Invitae Variant Classification Sherloc (09022015). Collection method: clinical testing. Allele origin: germline.
Comment: In summary, the available evidence is currently insufficient to determine the role of this variant in disease. Therefore, it has been classified as a Variant of Uncertain Significance. Advanced modeling of protein sequence and biophysical properties (such as structural, functional, and spatial information, amino acid conservation, physicochemical variation, residue mobility, and thermodynamic stability) performed at Invitae indicates that this missense variant is not expected to disrupt GPC3 protein function. This variant has not been reported in the literature in individuals affected with GPC3-related conditions. This variant is not present in population databases (gnomAD no frequency). This sequence change replaces leucine, which is neutral and non-polar, with arginine, which is basic and polar, at codon 421 of the GPC3 protein (p.Leu421Arg).

NM_004484.4(GPC3):c.1262T>G (p.Leu421Arg)

Gene: GPC3 (glypican 3; minus strand). Cytogenetic location: Xq26.2.
Variant type: single nucleotide variant.
Coding change: c.1262T>G on transcript NM_004484.4 (MANE Select); coding-DNA position 1262, T replaced by G.
Protein change: p.Leu421Arg; replaces leucine 421 with arginine.
Molecular consequence: missense variant.
Genome position (GRCh38, 1-based): chrX:133,692,399, A>C on the plus strand (T>G on the coding strand, the complement: GPC3 is on the minus strand). VCF-style: chrX-133692399-A-C. GRCh37 (hg19) VCF-style: chrX-132826427-A-C.
Other names: c.1331T>G, p.Leu444Arg (NM_001164617.2); c.1214T>G, p.Leu405Arg (NM_001164618.2); c.1100T>G, p.Leu367Arg (NM_001164619.2); short protein forms L367R, L444R, L405R, L421R.
Identifiers: ClinVar variation 2856503 (VCV002856503.3), dbSNP rs2521131754, ClinGen allele CA414705398.